The following is an entry in ClinVar:

NM_172107.4(KCNQ2):c.1111A>C (p.Met371Leu)

Gene: KCNQ2 (potassium voltage-gated channel subfamily Q member 2; minus strand). Cytogenetic location: 20q13.33.
Variant type: single nucleotide variant.
Coding change: c.1111A>C on transcript NM_172107.4 (MANE Select); coding-DNA position 1111, A replaced by C.
Protein change: p.Met371Leu; replaces methionine 371 with leucine.
Molecular consequence: missense variant.
Genome position (GRCh38, 1-based): chr20:63,433,816, T>G on the plus strand (A>C on the coding strand, the complement: KCNQ2 is on the minus strand). VCF-style: chr20-63433816-T-G. GRCh37 (hg19) VCF-style: chr20-62065169-T-G.
Other names: c.1111A>C, p.Met371Leu (NM_001382235.1, NM_004518.6, NM_172106.3 and 2 more transcripts); short protein forms M371L.
Identifiers: ClinVar variation 1309884 (VCV001309884.2), dbSNP rs1038643289, ClinGen allele CA409651056.

ClinVar aggregate classification (germline): Uncertain significance (1 of 4 stars; one submission).

Submission:

GeneDx
Classification: Uncertain significance. Last evaluated: 2019-11-01. Review status: criteria provided, single submitter. Criteria: GeneDx Variant Classification Process June 2021. Collection method: clinical testing. Allele origin: germline. Affected: yes.
Comment: This substitution is predicted to be within the C-terminal cytoplasmic domain; The majority of missense variants in this gene are considered pathogenic (Stenson et al., 2014); Has not been previously published as pathogenic or benign to our knowledge; In silico analysis, which includes protein predictors and evolutionary conservation, supports that this variant does not alter protein structure/function; In-silico analysis, which includes splice predictors and evolutionary conservation, is inconclusive as to whether the variant alters gene splicing. In the absence of RNA/functional studies, the actual effect of this sequence change is unknown; Not observed in large population cohorts (Lek et al., 2016)